The following is an entry in ClinVar:

ClinVar aggregate classification (germline): Likely benign (0 of 4 stars; one submission).

Conditions:
GIGYF1-related disorder. Also called: GIGYF1-related condition.

Submission:

PreventionGenetics, part of Exact Sciences
Classification: Likely benign for GIGYF1-related condition. Last evaluated: 2019-02-22. Review status: no assertion criteria provided. Collection method: clinical testing. Allele origin: germline.
Comment: This variant is classified as likely benign based on ACMG/AMP sequence variant interpretation guidelines (Richards et al. 2015 PMID: 25741868, with internal and published modifications).

NM_001375765.1(GIGYF1):c.2622G>C (p.Ser874=)

Gene: GIGYF1 (GRB10 interacting GYF protein 1; minus strand). Cytogenetic location: 7q22.1.
Variant type: single nucleotide variant.
Coding change: c.2622G>C on transcript NM_001375765.1 (MANE Select); coding-DNA position 2622, G replaced by C.
Protein change: p.Ser874=; no amino-acid change (serine 874 retained).
Molecular consequence: synonymous variant. On other transcripts: non-coding transcript variant (1).
Genome position (GRCh38, 1-based): chr7:100,682,461, C>G on the plus strand (G>C on the coding strand, the complement: GIGYF1 is on the minus strand). VCF-style: chr7-100682461-C-G. GRCh37 (hg19) VCF-style: chr7-100280084-C-G.
Other names: NM_022574.4:c.2622G>C; c.2622G>C, p.Ser874= (NM_001375759.1, NM_001375760.1, NM_001375761.1 and 5 more transcripts); c.2619G>C, p.Ser873= (NM_001375768.1).
Identifiers: ClinVar variation 3058456 (VCV003058456.2), dbSNP rs771298452, ClinGen allele CA163272462.